The following is an entry in ClinVar:

NM_182977.3(NNT):c.437A>C (p.Lys146Thr)

Gene: NNT (nicotinamide nucleotide transhydrogenase; plus strand). Cytogenetic location: 5p12.
Variant type: single nucleotide variant.
Coding change: c.437A>C on transcript NM_182977.3 (MANE Select); coding-DNA position 437, A replaced by C.
Protein change: p.Lys146Thr; replaces lysine 146 with threonine.
Molecular consequence: missense variant.
Genome position (GRCh38, 1-based): chr5:43,615,903, A>C. VCF-style: chr5-43615903-A-C. GRCh37 (hg19) VCF-style: chr5-43616005-A-C.
Other names: c.44A>C, p.Lys15Thr (NM_001331026.2); c.437A>C, p.Lys146Thr (NM_012343.4); short protein forms K15T, K146T.
Identifiers: ClinVar variation 2077773 (VCV002077773.1), dbSNP rs905059877, ClinGen allele CA117922573.

ClinVar aggregate classification (germline): Uncertain significance (1 of 4 stars; one submission).

Submission:

Labcorp Genetics (formerly Invitae), Labcorp
Classification: Uncertain significance. Last evaluated: 2021-12-19. Review status: criteria provided, single submitter. Criteria: Invitae Variant Classification Sherloc (09022015). Collection method: clinical testing. Allele origin: germline.
Comment: This sequence change replaces lysine, which is basic and polar, with threonine, which is neutral and polar, at codon 146 of the NNT protein (p.Lys146Thr). This variant is not present in population databases (gnomAD no frequency). This variant has not been reported in the literature in individuals affected with NNT-related conditions. Algorithms developed to predict the effect of missense changes on protein structure and function are either unavailable or do not agree on the potential impact of this missense change (SIFT: "Deleterious"; PolyPhen-2: "Possibly Damaging"; Align-GVGD: "Class C0"). In summary, the available evidence is currently insufficient to determine the role of this variant in disease. Therefore, it has been classified as a Variant of Uncertain Significance.